The following is an entry in ClinVar:

NM_022124.6(CDH23):c.1241G>A (p.Arg414Gln)

Gene: CDH23 (cadherin related 23; plus strand). Cytogenetic location: 10q22.1.
Variant type: single nucleotide variant.
Coding change: c.1241G>A on transcript NM_022124.6 (MANE Select); coding-DNA position 1241, G replaced by A.
Protein change: p.Arg414Gln; replaces arginine 414 with glutamine.
Molecular consequence: missense variant.
Genome position (GRCh38, 1-based): chr10:71,645,931, G>A. VCF-style: chr10-71645931-G-A. GRCh37 (hg19) VCF-style: chr10-73405688-G-A.
Other names: c.1241G>A, p.Arg414Gln (NM_001171930.2, NM_001171931.2, NM_052836.4); short protein forms R414Q.
Identifiers: ClinVar variation 1062659 (VCV001062659.4), dbSNP rs561032891, ClinGen allele CA5543740.

ClinVar aggregate classification (germline): Uncertain significance. Review status: criteria provided, single submitter (1 of 4 stars). 2 submissions from 2 submitters: Uncertain significance (1). 1 of the submissions does not count toward it. Last evaluated 2024-12-16.

Conditions:
Usher syndrome type 1 (USH1). Also called: RETINITIS PIGMENTOSA AND CONGENITAL DEAFNESS. Identifiers: Orphanet 231169, Orphanet 886, MedGen C1568247, MONDO:0010168, OMIM 276900.

Allele frequency attached by ClinVar (database versions not stated): 1000 Genomes Project 0.00020; gnomAD exomes 0.00002 and 0.00001; ExAC 0.00002; TOPMed 0.00004; gnomAD 0.00006; 1000 Genomes Project 30x 0.00016.
gnomAD v4.1: 18 of 1,613,554 alleles (0.0011%); highest among the groups gnomAD compares: African/African-American, 0.013%; no homozygotes.

Submissions (2):

Labcorp Genetics (formerly Invitae), Labcorp
Classification: Uncertain significance. Last evaluated: 2024-12-16. Review status: criteria provided, single submitter. Criteria: Invitae Variant Classification Sherloc (09022015). Collection method: clinical testing. Allele origin: germline.
Comment: This sequence change replaces arginine, which is basic and polar, with glutamine, which is neutral and polar, at codon 414 of the CDH23 protein (p.Arg414Gln). This variant is present in population databases (rs561032891, gnomAD 0.02%). This variant has not been reported in the literature in individuals affected with CDH23-related conditions. ClinVar contains an entry for this variant (Variation ID: 1062659). Invitae Evidence Modeling of protein sequence and biophysical properties (such as structural, functional, and spatial information, amino acid conservation, physicochemical variation, residue mobility, and thermodynamic stability) has been performed for this missense variant. However, the output from this modeling did not meet the statistical confidence thresholds required to predict the impact of this variant on CDH23 protein function. In summary, the available evidence is currently insufficient to determine the role of this variant in disease. Therefore, it has been classified as a Variant of Uncertain Significance.

Natera, Inc.
Classification: Uncertain significance for Usher syndrome type 1. Last evaluated: 2020-08-27. Review status: no assertion criteria provided. Collection method: clinical testing. Allele origin: germline. Not counted in ClinVar's aggregate classification.